The following is an entry in ClinVar:

ClinVar aggregate classification (germline): Uncertain significance (1 of 4 stars; one submission).

Allele frequency attached by ClinVar (database versions not stated): gnomAD 0.00001.
gnomAD v4.1: 1 of 1,613,790 alleles (0.000062%); highest among the groups gnomAD compares: Admixed American, 0.0017%; no homozygotes.

Submission:

Labcorp Genetics (formerly Invitae), Labcorp
Classification: Uncertain significance. Last evaluated: 2022-10-04. Review status: criteria provided, single submitter. Criteria: Invitae Variant Classification Sherloc (09022015). Collection method: clinical testing. Allele origin: germline.
Comment: In summary, the available evidence is currently insufficient to determine the role of this variant in disease. Therefore, it has been classified as a Variant of Uncertain Significance. Algorithms developed to predict the effect of sequence changes on RNA splicing suggest that this variant may disrupt the consensus splice site. This variant has not been reported in the literature in individuals affected with MYLK3-related conditions. This variant is not present in population databases (gnomAD no frequency). This sequence change affects an acceptor splice site in intron 4 of the MYLK3 gene. It is expected to disrupt RNA splicing. Variants that disrupt the donor or acceptor splice site typically lead to a loss of protein function (PMID: 16199547), however the current clinical and genetic evidence is not sufficient to establish whether loss-of-function variants in MYLK3 cause disease.

Literature cited by the submitters: PubMed 16199547.

NM_182493.3(MYLK3):c.1463-1G>A

Gene: MYLK3 (myosin light chain kinase 3; minus strand). Cytogenetic location: 16q11.2.
Variant type: single nucleotide variant.
Coding change: c.1463-1G>A on transcript NM_182493.3 (MANE Select); the canonical splice acceptor site of the intron before coding-DNA position 1463, G replaced by A.
Molecular consequence: splice acceptor variant.
Genome position (GRCh38, 1-based): chr16:46,730,699, C>T on the plus strand (G>A on the coding strand, the complement: MYLK3 is on the minus strand). VCF-style: chr16-46730699-C-T. GRCh37 (hg19) VCF-style: chr16-46764611-C-T.
Other names: c.440-1G>A (NM_001308301.1).
Identifiers: ClinVar variation 2033988 (VCV002033988.4), dbSNP rs1966850919, ClinGen allele CA395791835.